The following is an entry in ClinVar:

ClinVar aggregate classification (germline): Pathogenic (1 of 4 stars; one submission).

Conditions:
Familial hemophagocytic lymphohistiocytosis 3 (FHL3). Also called: UNC13D-Related Familial Hemophagocytic Lymphohistiocytosis (UNC13D-fHLH). Identifiers: Orphanet 540, MedGen C1837174, MONDO:0012146, OMIM 608898.

Submission:

Labcorp Genetics (formerly Invitae), Labcorp
Classification: Pathogenic for Familial hemophagocytic lymphohistiocytosis 3. Last evaluated: 2020-10-21. Review status: criteria provided, single submitter. Criteria: Invitae Variant Classification Sherloc (09022015). Collection method: clinical testing. Allele origin: germline.
Comment: This sequence change creates a premature translational stop signal (p.Trp260*) in the UNC13D gene. It is expected to result in an absent or disrupted protein product. Loss-of-function variants in UNC13D are known to be pathogenic (PMID: 14622600). This variant is not present in population databases (ExAC no frequency). This variant has not been reported in the literature in individuals with UNC13D-related conditions. For these reasons, this variant has been classified as Pathogenic.

Literature cited by the submitters: PubMed 14622600.

NM_199242.3(UNC13D):c.779G>A (p.Trp260Ter)

Gene: UNC13D (unc-13 homolog D; minus strand). Cytogenetic location: 17q25.1.
Variant type: single nucleotide variant.
Coding change: c.779G>A on transcript NM_199242.3 (MANE Select); coding-DNA position 779, G replaced by A.
Protein change: p.Trp260Ter; replaces tryptophan 260 with a stop codon.
Molecular consequence: nonsense.
Genome position (GRCh38, 1-based): chr17:75,840,304, C>T on the plus strand (G>A on the coding strand, the complement: UNC13D is on the minus strand). VCF-style: chr17-75840304-C-T. GRCh37 (hg19) VCF-style: chr17-73836385-C-T.
Other names: short protein forms W260*.
Identifiers: ClinVar variation 1074647 (VCV001074647.7), dbSNP rs943094444, ClinGen allele CA401109479.